The following is an entry in ClinVar:

NM_024411.5(PDYN):c.751del (p.Leu251fs)

Genes: PDYN (prodynorphin; minus strand), PDYN-AS1 (PDYN antisense RNA 1; plus strand). Cytogenetic location: 20p13.
Variant type: Deletion.
Coding change: c.751del on transcript NM_024411.5 (MANE Select); coding-DNA position 751, one base deleted (C; older notation c.751delC).
Protein change: p.Leu251fs; shifts the reading frame from leucine 251.
Molecular consequence: frameshift variant.
Genome position (GRCh38, 1-based): chr20:1,980,337, G deleted on the plus strand (C on the coding strand, the reverse complement: PDYN is on the minus strand). VCF-style (leftmost placement, unchanged base first): chr20-1980336-AG-A. GRCh37 (hg19) VCF-style: chr20-1960982-AG-A.
Other names: p.Leu251Phefs*18; c.751del, p.Leu251fs (NM_001190892.1, NM_001190898.3, NM_001190899.2 and 1 more transcripts); short protein forms L251fs.
Identifiers: ClinVar variation 3380644 (VCV003380644.1).
Genomic context (GRCh38, chr20:1,980,336, plus strand): 5'-AAAGGTGTCAGGGGTTTCTCCTGACTCTACTCCATGAAAAGAGGTGCTTATGCATCAAAA[AG>A]CTCTCCAGAGTAAGCATTCGGATCTTCCTGAGACCGAGTCACCACCTTGAACTGGCGCCG-3'

ClinVar aggregate classification (germline): Uncertain significance (1 of 4 stars; one submission).

Submission:

Mayo Clinic Laboratories, Mayo Clinic
Classification: Uncertain significance. Last evaluated: 2024-05-13. Review status: criteria provided, single submitter. Criteria: ACMG Guidelines, 2015. Collection method: clinical testing. Allele origin: germline. Observed: 1 variant allele.
Comment: PM2, PM4